The following is an entry in ClinVar:

ClinVar aggregate classification (germline): Uncertain significance (1 of 4 stars; one submission).

Conditions:
Cardiomyopathy (CMYO). Also called: Cardiomyopathies. Identifiers: Orphanet 167848, MedGen C0878544, MONDO:0004994, HP:0001638. Inheritance: Various modes of inheritance.

Submission:

Color Diagnostics, LLC DBA Color Health
Classification: Uncertain significance for Cardiomyopathy. Last evaluated: 2025-05-20. Review status: criteria provided, single submitter. Criteria: ACMG Guidelines, 2015. Collection method: clinical testing. Allele origin: germline.
Comment: This missense variant replaces alanine with valine at codon 1156 of the MYH7 protein. Computational prediction is inconclusive regarding the impact of this variant on protein structure and function. To our knowledge, functional studies have not been reported for this variant. This variant has not been reported in individuals affected with MYH7-related disorders in the literature. This variant has not been identified in the general population by the Genome Aggregation Database (gnomAD). The available evidence is insufficient to determine the role of this variant in disease conclusively. Therefore, this variant is classified as a Variant of Uncertain Significance.

NM_000257.4(MYH7):c.3467C>T (p.Ala1156Val)

Gene: MYH7 (myosin heavy chain 7; minus strand). Cytogenetic location: 14q11.2.
Variant type: single nucleotide variant.
Coding change: c.3467C>T on transcript NM_000257.4 (MANE Select); coding-DNA position 3467, C replaced by T.
Protein change: p.Ala1156Val; replaces alanine 1156 with valine.
Molecular consequence: missense variant.
Genome position (GRCh38, 1-based): chr14:23,420,104, G>A on the plus strand (C>T on the coding strand, the complement: MYH7 is on the minus strand). VCF-style: chr14-23420104-G-A. GRCh37 (hg19) VCF-style: chr14-23889313-G-A.
Other names: c.3467C>T, p.Ala1156Val (NM_001407004.1); short protein forms A1156V.
Identifiers: ClinVar variation 4756692 (VCV004756692.1).
Genomic context (GRCh38, chr14:23,420,104, plus strand): 5'-CGCCGCATCTTCTGGAACTCGGCCTCGCGCTTCTTGTTCATCTCGATCTGCACGGACGTG[G>A]CCCCGCCGGCCTCTTCCAGCCGCTCGCTGATCTCCTCCAGCTCCCGAGACAGGTCTGAGC-3'
Protein context (NP_000248.2, residues 1146-1166): ISERLEEAGG[Ala1156Val]TSVQIEMNKK